The following is an entry in ClinVar:

ClinVar aggregate classification (germline): Uncertain significance (1 of 4 stars; one submission).

Allele frequency attached by ClinVar (database versions not stated): TOPMed below 0.00001; ExAC 0.00001.
gnomAD v4.1: 7 of 1,613,602 alleles (0.00043%); highest among the groups gnomAD compares: South Asian, 0.0033%; no homozygotes.

Submission:

GeneDx
Classification: Uncertain significance. Last evaluated: 2023-02-12. Review status: criteria provided, single submitter. Criteria: GeneDx Variant Classification Process June 2021. Collection method: clinical testing. Allele origin: germline. Affected: yes.
Comment: Not observed at significant frequency in large population cohorts (gnomAD); In silico analysis supports that this missense variant has a deleterious effect on protein structure/function; Missense variant in a gene in which most reported pathogenic variants are truncating/loss of function; Has not been previously published as pathogenic or benign to our knowledge

NM_013275.6(ANKRD11):c.5095C>T (p.Arg1699Trp)

Gene: ANKRD11 (ankyrin repeat domain containing 11; minus strand). Cytogenetic location: 16q24.3.
Variant type: single nucleotide variant.
Coding change: c.5095C>T on transcript NM_013275.6 (MANE Select); coding-DNA position 5095, C replaced by T.
Protein change: p.Arg1699Trp; replaces arginine 1699 with tryptophan.
Molecular consequence: missense variant.
Genome position (GRCh38, 1-based): chr16:89,281,447, G>A on the plus strand (C>T on the coding strand, the complement: ANKRD11 is on the minus strand). VCF-style: chr16-89281447-G-A. GRCh37 (hg19) VCF-style: chr16-89347855-G-A.
Other names: c.5095C>T, p.Arg1699Trp (NM_001256182.2, NM_001256183.2); short protein forms R1699W.
Identifiers: ClinVar variation 2575747 (VCV002575747.1), dbSNP rs749845953, ClinGen allele CA8241954.
Genomic context (GRCh38, chr16:89,281,447, plus strand): 5'-TCACCTCCTCGTAGCTGGGGCAGGATAGCACCGACGTAGGGGTGGGCACGCCAGTGGGCC[G>A]GCTCTGGTCAGGCCTGGGGGACGCAGGCAGGACCTCTTTCATGTGAGGGCCTGCCAGCCA-3'
Protein context (NP_037407.4, residues 1689-1709): LPASPRPDQS[Arg1699Trp]PTGVPTPTSV